The following is an entry in ClinVar:

NM_003742.4(ABCB11):c.1732A>G (p.Lys578Glu)

Gene: ABCB11 (ATP binding cassette subfamily B member 11; minus strand). Cytogenetic location: 2q31.1.
Variant type: single nucleotide variant.
Coding change: c.1732A>G on transcript NM_003742.4 (MANE Select); coding-DNA position 1732, A replaced by G.
Protein change: p.Lys578Glu; replaces lysine 578 with glutamic acid.
Molecular consequence: missense variant.
Genome position (GRCh38, 1-based): chr2:168,970,122, T>C on the plus strand (A>G on the coding strand, the complement: ABCB11 is on the minus strand). VCF-style: chr2-168970122-T-C. GRCh37 (hg19) VCF-style: chr2-169826632-T-C.
Other names: short protein forms K578E.
Identifiers: ClinVar variation 1331315 (VCV001331315.3), dbSNP rs1389106831, ClinGen allele CA349113890.

ClinVar aggregate classification (germline): Uncertain significance (1 of 4 stars; one submission).

Allele frequency attached by ClinVar (database versions not stated): gnomAD exomes below 0.00001; TOPMed below 0.00001; gnomAD 0.00002.
gnomAD v4.1: 5 of 1,612,894 alleles (0.00031%); highest among the groups gnomAD compares: Non-Finnish European, 0.00042%; no homozygotes.

Submission:

GeneDx
Classification: Uncertain significance. Last evaluated: 2023-11-14. Review status: criteria provided, single submitter. Criteria: GeneDx Variant Classification Process June 2021. Collection method: clinical testing. Allele origin: germline. Affected: yes.
Comment: Not observed at significant frequency in large population cohorts (gnomAD); In silico analysis supports that this missense variant has a deleterious effect on protein structure/function; Has not been previously published as pathogenic or benign to our knowledge